The following is an entry in ClinVar:

ClinVar aggregate classification (germline): Uncertain significance (1 of 4 stars; one submission).

Conditions:
Cardiovascular phenotype. Identifiers: MedGen CN230736.

Submission:

Ambry Genetics
Classification: Uncertain significance for Cardiovascular phenotype. Last evaluated: 2025-07-30. Review status: criteria provided, single submitter. Criteria: Ambry Variant Classification Scheme 2023. Collection method: clinical testing. Allele origin: germline.
Comment: The p.A2773V variant (also known as c.8318C>T), located in coding exon 26 of the APOB gene, results from a C to T substitution at nucleotide position 8318. The alanine at codon 2773 is replaced by valine, an amino acid with similar properties. This amino acid position is conserved. In addition, this alteration is predicted to be tolerated by in silico analysis. Based on the available evidence, the clinical significance of this variant remains unclear.

NM_000384.3(APOB):c.8318C>T (p.Ala2773Val)

Gene: APOB (apolipoprotein B; minus strand). Cytogenetic location: 2p24.1.
Variant type: single nucleotide variant.
Coding change: c.8318C>T on transcript NM_000384.3 (MANE Select); coding-DNA position 8318, C replaced by T.
Protein change: p.Ala2773Val; replaces alanine 2773 with valine.
Molecular consequence: missense variant.
Genome position (GRCh38, 1-based): chr2:21,008,550, G>A on the plus strand (C>T on the coding strand, the complement: APOB is on the minus strand). VCF-style: chr2-21008550-G-A. GRCh37 (hg19) VCF-style: chr2-21231422-G-A.
Other names: short protein forms A2773V.
Identifiers: ClinVar variation 4125162 (VCV004125162.1).
Genomic context (GRCh38, chr2:21,008,550, plus strand): 5'-ATGGAAGCTGCGATACCTGCTTCGTTTGCTGAGGTGGTTCCATTCCCTATGTCAGCATTT[G>A]CATCTAATGTGAAAAGAGGAGATTGGATTTTCAGAATACTGTATAGCTTGCCAAAAGTAG-3'
Protein context (NP_000375.3, residues 2763-2783): KIQSPLFTLD[Ala2773Val]NADIGNGTTS